The following is an entry in ClinVar:

ClinVar aggregate classification (germline): Uncertain significance. Review status: criteria provided, multiple submitters, no conflicts (2 of 4 stars). 2 submissions from 2 submitters: Uncertain significance (2). Last evaluated 2025-09-11.

gnomAD v4.1: 1 of 1,614,188 alleles (0.000062%); no homozygotes.

Submissions (2):

Labcorp Genetics (formerly Invitae), Labcorp
Classification: Uncertain significance. Last evaluated: 2025-09-11. Review status: criteria provided, single submitter. Criteria: Invitae Variant Classification Sherloc (09022015). Collection method: clinical testing. Allele origin: germline.
Comment: This sequence change replaces threonine, which is neutral and polar, with isoleucine, which is neutral and non-polar, at codon 739 of the CEP97 protein (p.Thr739Ile). This variant is not present in population databases (gnomAD no frequency). This variant has not been reported in the literature in individuals affected with CEP97-related conditions. ClinVar contains an entry for this variant (Variation ID: 2981508). Invitae Evidence Modeling of protein sequence and biophysical properties (such as structural, functional, and spatial information, amino acid conservation, physicochemical variation, residue mobility, and thermodynamic stability) indicates that this missense variant is not expected to disrupt CEP97 protein function with a negative predictive value of 80%. In summary, the available evidence is currently insufficient to determine the role of this variant in disease. Therefore, it has been classified as a Variant of Uncertain Significance.

Ambry Genetics
Classification: Uncertain significance. Last evaluated: 2025-01-27. Review status: criteria provided, single submitter. Criteria: Ambry Variant Classification Scheme 2023. Collection method: clinical testing. Allele origin: germline.

NM_024548.4(CEP97):c.2216C>T (p.Thr739Ile)

Gene: CEP97 (centrosomal protein 97; plus strand). Cytogenetic location: 3q12.3.
Variant type: single nucleotide variant.
Coding change: c.2216C>T on transcript NM_024548.4 (MANE Select); coding-DNA position 2216, C replaced by T.
Protein change: p.Thr739Ile; replaces threonine 739 with isoleucine.
Molecular consequence: missense variant.
Genome position (GRCh38, 1-based): chr3:101,765,169, C>T. VCF-style: chr3-101765169-C-T. GRCh37 (hg19) VCF-style: chr3-101484013-C-T.
Other names: c.2216C>T (NM_024548.2); c.2039C>T, p.Thr680Ile (NM_001303401.2); c.2114C>T, p.Thr705Ile (NM_001410784.1); c.1937C>T, p.Thr646Ile (NM_001410785.1); short protein forms T646I, T705I, T680I, T739I.
Identifiers: ClinVar variation 2981508 (VCV002981508.4), dbSNP rs543071884, ClinGen allele CA353881608.